The following is an entry in ClinVar:

ClinVar aggregate classification (germline): Uncertain significance. Review status: criteria provided, multiple submitters, no conflicts (2 of 4 stars). 2 submissions from 2 submitters: Uncertain significance (2). Last evaluated 2026-02-12.

Conditions:
Brown-Vialetto-van Laere syndrome 1. Also called: BULBAR PALSY, PROGRESSIVE, WITH SENSORINEURAL DEAFNESS; PONTOBULBAR PALSY WITH DEAFNESS; BROWN-VIALETTO-VAN LAERE SYNDROME 1, MILD. Identifiers: Orphanet 572550, Orphanet 97229, MedGen C0796274, MONDO:0024537, OMIM 211530.

Allele frequency attached by ClinVar (database versions not stated): gnomAD exomes 0.00001; TOPMed below 0.00001.
gnomAD v4.1: 14 of 1,551,148 alleles (0.0009%); highest among the groups gnomAD compares: Non-Finnish European, 0.0012%; no homozygotes.

Submissions (2):

GeneDx
Classification: Uncertain significance. Last evaluated: 2026-02-12. Review status: criteria provided, single submitter. Criteria: GeneDx Variant Classification Process June 2021. Collection method: clinical testing. Allele origin: germline.
Comment: Not observed at significant frequency in large population cohorts (gnomAD); In silico analysis suggests that this missense variant does not alter protein structure/function; Has not been previously published as pathogenic or benign to our knowledge

Labcorp Genetics (formerly Invitae), Labcorp
Classification: Uncertain significance for Brown-Vialetto-van Laere syndrome 1. Last evaluated: 2021-12-17. Review status: criteria provided, single submitter. Criteria: Invitae Variant Classification Sherloc (09022015). Collection method: clinical testing. Allele origin: germline.
Comment: In summary, the available evidence is currently insufficient to determine the role of this variant in disease. Therefore, it has been classified as a Variant of Uncertain Significance. Algorithms developed to predict the effect of missense changes on protein structure and function (SIFT, PolyPhen-2, Align-GVGD) all suggest that this variant is likely to be tolerated. This variant has not been reported in the literature in individuals affected with SLC52A3-related conditions. This variant is not present in population databases (gnomAD no frequency). This sequence change replaces valine, which is neutral and non-polar, with leucine, which is neutral and non-polar, at codon 404 of the SLC52A3 protein (p.Val404Leu).

NM_033409.4(SLC52A3):c.1210G>T (p.Val404Leu)

Gene: SLC52A3 (solute carrier family 52 member 3; minus strand). Cytogenetic location: 20p13.
Variant type: single nucleotide variant.
Coding change: c.1210G>T on transcript NM_033409.4 (MANE Select); coding-DNA position 1210, G replaced by T.
Protein change: p.Val404Leu; replaces valine 404 with leucine.
Molecular consequence: missense variant.
Genome position (GRCh38, 1-based): chr20:761,226, C>A on the plus strand (G>T on the coding strand, the complement: SLC52A3 is on the minus strand). VCF-style: chr20-761226-C-A. GRCh37 (hg19) VCF-style: chr20-741870-C-A.
Other names: c.1210G>T (NM_033409.3); c.1210G>T, p.Val404Leu (NM_001370085.1, NM_001370086.1); short protein forms V404L.
Identifiers: ClinVar variation 1935552 (VCV001935552.4), dbSNP rs1986462690, ClinGen allele CA407962109.
Genomic context (GRCh38, chr20:761,226, plus strand): 5'-GGTCGCGCAGGACCACGCCCAGCATCACCTTGACGTAACTGAGGCAGCCGCTGAAAAGCA[C>A]CCACGAGGCCACCTGCGGGGCCGGGAGGGAAGAGGTGCAGAGTCACGGGGCTTGCGGGGC-3'
Protein context (NP_212134.3, residues 394-414): GGEVLIVASW[Val404Leu]LFSGCLSYVK